The following is an entry in ClinVar:

NM_000179.3(MSH6):c.908T>C (p.Met303Thr)

Gene: MSH6 (mutS homolog 6; plus strand). Cytogenetic location: 2p16.3.
Variant type: single nucleotide variant.
Coding change: c.908T>C on transcript NM_000179.3 (MANE Select); coding-DNA position 908, T replaced by C.
Protein change: p.Met303Thr; replaces methionine 303 with threonine.
Molecular consequence: missense variant. On other transcripts: initiator codon variant (2).
Genome position (GRCh38, 1-based): chr2:47,798,891, T>C. VCF-style: chr2-47798891-T-C. GRCh37 (hg19) VCF-style: chr2-48026030-T-C.
Other names: c.518T>C, p.Met173Thr (NM_001281492.2); c.2T>C, p.Met1Thr (NM_001281493.2, NM_001281494.2); short protein forms M303T, M1T, M173T.
Identifiers: ClinVar variation 630179 (VCV000630179.19), dbSNP rs1558659703, ClinGen allele CA346740714.

ClinVar aggregate classification (germline): Uncertain significance. Review status: criteria provided, multiple submitters, no conflicts (2 of 4 stars). 4 submissions from 4 submitters: Uncertain significance (4). Last evaluated 2025-09-03.

Conditions:
Hereditary cancer-predisposing syndrome. Also called: Neoplastic Syndromes, Hereditary; Tumor predisposition; Hereditary neoplastic syndrome; Hereditary Cancer Syndrome. Identifiers: Orphanet 140162, MedGen C0027672, MeSH D009386, MONDO:0015356.
Hereditary nonpolyposis colorectal neoplasms. Identifiers: MedGen C0009405, MeSH D003123.
Lynch syndrome. Identifiers: Orphanet 144, MedGen C4552100, MONDO:0005835. Disease mechanism: loss of function.

gnomAD v4.1: 1 of 1,614,110 alleles (0.000062%); highest among the groups gnomAD compares: Admixed American, 0.0017%; no homozygotes.

Submissions (4):

Labcorp Genetics (formerly Invitae), Labcorp
Classification: Uncertain significance for Hereditary nonpolyposis colorectal neoplasms. Last evaluated: 2025-09-03. Review status: criteria provided, single submitter. Criteria: Invitae Variant Classification Sherloc (09022015). Collection method: clinical testing. Allele origin: germline.
Comment: This sequence change replaces methionine, which is neutral and non-polar, with threonine, which is neutral and polar, at codon 303 of the MSH6 protein (p.Met303Thr). This variant is not present in population databases (gnomAD no frequency). This variant has not been reported in the literature in individuals affected with MSH6-related conditions. ClinVar contains an entry for this variant (Variation ID: 630179). Invitae Evidence Modeling of protein sequence and biophysical properties (such as structural, functional, and spatial information, amino acid conservation, physicochemical variation, residue mobility, and thermodynamic stability) indicates that this missense variant is not expected to disrupt MSH6 protein function with a negative predictive value of 95%. In summary, the available evidence is currently insufficient to determine the role of this variant in disease. Therefore, it has been classified as a Variant of Uncertain Significance.

Color Diagnostics, LLC DBA Color Health
Classification: Uncertain significance for Hereditary cancer-predisposing syndrome. Last evaluated: 2025-04-14. Review status: criteria provided, single submitter. Criteria: ACMG Guidelines, 2015. Collection method: clinical testing. Allele origin: germline.
Comment: This missense variant replaces methionine with threonine at codon 303 of the MSH6 protein. Computational prediction suggests that this variant may not impact protein structure and function. To our knowledge, functional studies have not been reported for this variant. This variant has not been reported in individuals affected with MSH6-related disorders in the literature. This variant has not been identified in the general population by the Genome Aggregation Database (gnomAD). The available evidence is insufficient to determine the role of this variant in disease conclusively. Therefore, this variant is classified as a Variant of Uncertain Significance.

All of Us Research Program, National Institutes of Health
Classification: Uncertain significance for Lynch syndrome. Last evaluated: 2023-08-15. Review status: criteria provided, single submitter. Criteria: ACMG Guidelines, 2015. Collection method: clinical testing. Allele origin: germline. Inheritance: Autosomal dominant inheritance. Observed: 1 variant allele, 1 heterozygote.
Comment: This study involves interpretation of variants in research participants for the purpose of population health screening. Participant phenotype was not available at the time of variant classification. Additional details can be found in publication PMID: 35346344, PMCID: PMC8962531

Ambry Genetics
Classification: Uncertain significance for Hereditary cancer-predisposing syndrome. Last evaluated: 2023-03-20. Review status: criteria provided, single submitter. Criteria: Ambry Variant Classification Scheme 2023. Collection method: clinical testing. Allele origin: germline.
Comment: The p.M303T variant (also known as c.908T>C), located in coding exon 4 of the MSH6 gene, results from a T to C substitution at nucleotide position 908. The methionine at codon 303 is replaced by threonine, an amino acid with similar properties. This amino acid position is not well conserved in available vertebrate species. In addition, this alteration is predicted to be tolerated by in silico analysis. Since supporting evidence is limited at this time, the clinical significance of this alteration remains unclear.